The following is an entry in ClinVar:

ClinVar aggregate classification (germline): Uncertain significance (1 of 4 stars; one submission).

Conditions:
Charcot-Marie-Tooth disease dominant intermediate F. Identifiers: Orphanet 352670, MedGen C4749463, MONDO:0014074, OMIM 615185.

Submission:

Labcorp Genetics (formerly Invitae), Labcorp
Classification: Uncertain significance for Charcot-Marie-Tooth disease dominant intermediate F. Last evaluated: 2024-05-02. Review status: criteria provided, single submitter. Criteria: Invitae Variant Classification Sherloc (09022015). Collection method: clinical testing. Allele origin: germline.
Comment: This sequence change replaces isoleucine, which is neutral and non-polar, with threonine, which is neutral and polar, at codon 93 of the GNB4 protein (p.Ile93Thr). This variant is not present in population databases (gnomAD no frequency). This variant has not been reported in the literature in individuals affected with GNB4-related conditions. Advanced modeling of protein sequence and biophysical properties (such as structural, functional, and spatial information, amino acid conservation, physicochemical variation, residue mobility, and thermodynamic stability) performed at Invitae indicates that this missense variant is expected to disrupt GNB4 protein function with a positive predictive value of 80%. In summary, the available evidence is currently insufficient to determine the role of this variant in disease. Therefore, it has been classified as a Variant of Uncertain Significance.

NM_021629.4(GNB4):c.278T>C (p.Ile93Thr)

Gene: GNB4 (G protein subunit beta 4; minus strand). Cytogenetic location: 3q26.33.
Variant type: single nucleotide variant.
Coding change: c.278T>C on transcript NM_021629.4 (MANE Select); coding-DNA position 278, T replaced by C.
Protein change: p.Ile93Thr; replaces isoleucine 93 with threonine.
Molecular consequence: missense variant.
Genome position (GRCh38, 1-based): chr3:179,415,037, A>G on the plus strand (T>C on the coding strand, the complement: GNB4 is on the minus strand). VCF-style: chr3-179415037-A-G. GRCh37 (hg19) VCF-style: chr3-179132825-A-G.
Other names: short protein forms I93T.
Identifiers: ClinVar variation 3651963 (VCV003651963.2).